The following is an entry in ClinVar:

ClinVar aggregate classification (germline): Uncertain significance (1 of 4 stars; one submission).

Allele frequency attached by ClinVar (database versions not stated): TOPMed below 0.00001.

Submission:

Women's Health and Genetics/Laboratory Corporation of America, LabCorp
Classification: Uncertain significance. Last evaluated: 2021-11-10. Review status: criteria provided, single submitter. Criteria: LabCorp Variant Classification Summary - May 2015. Collection method: clinical testing. Allele origin: germline.
Comment: Variant summary: HEXB c.988T>G (p.Tyr330Asp) results in a non-conservative amino acid change located in the Glycoside hydrolase family 20, catalytic domain (IPR015883) of the encoded protein sequence. Five of five in-silico tools predict a damaging effect of the variant on protein function. The variant was absent in 251410 control chromosomes. The available data on variant occurrences in the general population are insufficient to allow any conclusion about variant significance. c.988T>G has been reported in the literature as a compound heterozygous genotype with another pathogenic variant, c.1597C>T (p.Arg533Cys) in at-least one individual affected with an infantile form of Sandhoff Disease (Bilgner_2021). To our knowledge, no variant specific experimental evidence demonstrating an impact on protein function has been reported, although both Serum total Hexosaminidase and Serum HEXA enzyme activity levels were reduced at approximately 22-26% below the lower end of the reported reference ranges for the individual with the compound heterozygous genotype ascertained above (Bilgner_2021). No clinical diagnostic laboratories have submitted clinical-significance assessments for this variant to ClinVar after 2014. Based on the evidence outlined above, until additional clinical reports supported by a variant specific functional evidence is obtained, the variant was classified as uncertain significance.

NM_000521.4(HEXB):c.988T>G (p.Tyr330Asp)

Gene: HEXB (hexosaminidase subunit beta; plus strand). Cytogenetic location: 5q13.3.
Variant type: single nucleotide variant.
Coding change: c.988T>G on transcript NM_000521.4 (MANE Select); coding-DNA position 988, T replaced by G.
Protein change: p.Tyr330Asp; replaces tyrosine 330 with aspartic acid.
Molecular consequence: missense variant.
Genome position (GRCh38, 1-based): chr5:74,715,596, T>G. VCF-style: chr5-74715596-T-G. GRCh37 (hg19) VCF-style: chr5-74011421-T-G.
Other names: c.313T>G, p.Tyr105Asp (NM_001292004.2); short protein forms Y105D, Y330D.
Identifiers: ClinVar variation 1328996 (VCV001328996.1), dbSNP rs1749650679, ClinGen allele CA360068531.